The following is an entry in ClinVar:

ClinVar aggregate classification (germline): Uncertain significance. Review status: criteria provided, multiple submitters, no conflicts (2 of 4 stars). 2 submissions from 2 submitters: Uncertain significance (2). Last evaluated 2025-08-02.

Conditions:
Epidermolysis bullosa simplex 3, localized or generalized intermediate, with BP230 deficiency (EBS3). Also called: Epidermolysis bullosa simplex due to BP230 deficiency; Epidermolysis bullosa simplex, autosomal recessive 2. Identifiers: Orphanet 412181, MedGen C3809470, MONDO:0014180, OMIM 615425.
Hereditary sensory and autonomic neuropathy type 6. Also called: HSAN VI; Neuropathy, hereditary sensory and autonomic, type VI. Identifiers: Orphanet 314381, MedGen C3539003, MONDO:0013839, OMIM 614653.

Allele frequency attached by ClinVar (database versions not stated): TOPMed below 0.00001; gnomAD 0.00002; gnomAD exomes 0.00004 and 0.00006; ExAC 0.00008.
gnomAD v4.1: 58 of 1,614,108 alleles (0.0036%); highest among the groups gnomAD compares: South Asian, 0.011%; 1 homozygote.

Submissions (2):

GeneDx
Classification: Uncertain significance. Last evaluated: 2025-08-02. Review status: criteria provided, single submitter. Criteria: GeneDx Variant Classification Process June 2021. Collection method: clinical testing. Allele origin: germline. Affected: yes.
Comment: In silico analysis suggests that this missense variant does not alter protein structure/function; Has not been previously published as pathogenic or benign to our knowledge; Reported using the transcript encoding the epithelial isoform of the gene

Labcorp Genetics (formerly Invitae), Labcorp
Classification: Uncertain significance for Epidermolysis bullosa simplex 3, localized or generalized intermediate, with BP230 deficiency; Hereditary sensory and autonomic neuropathy type 6. Last evaluated: 2023-01-27. Review status: criteria provided, single submitter. Criteria: Invitae Variant Classification Sherloc (09022015). Collection method: clinical testing. Allele origin: germline.
Comment: In summary, the available evidence is currently insufficient to determine the role of this variant in disease. Therefore, it has been classified as a Variant of Uncertain Significance. Algorithms developed to predict the effect of missense changes on protein structure and function are either unavailable or do not agree on the potential impact of this missense change (SIFT: "Deleterious"; PolyPhen-2: "Benign"; Align-GVGD: "Class C45"). ClinVar contains an entry for this variant (Variation ID: 844041). This variant has not been reported in the literature in individuals affected with DST-related conditions. This variant is present in population databases (rs756952695, gnomAD 0.02%). This sequence change replaces arginine, which is basic and polar, with glycine, which is neutral and non-polar, at codon 1898 of the DST protein (p.Arg1898Gly).

NM_001723.7(DST):c.5692A>G (p.Arg1898Gly)

Gene: DST (dystonin; minus strand). Cytogenetic location: 6p12.1.
Variant type: single nucleotide variant.
Coding change: c.5692A>G on transcript NM_001723.7 (MANE Plus Clinical); coding-DNA position 5692, A replaced by G.
Protein change: p.Arg1898Gly; replaces arginine 1898 with glycine.
Molecular consequence: missense variant. On other transcripts: intron variant (10).
Genome position (GRCh38, 1-based): chr6:56,618,342, T>C on the plus strand (A>G on the coding strand, the complement: DST is on the minus strand). VCF-style: chr6-56618342-T-C. GRCh37 (hg19) VCF-style: chr6-56483140-T-C.
Other names: c.4831-3858A>G (NM_001144769.5); c.4930-3858A>G (NM_001374722.1, NM_001374736.1); c.4957-3858A>G (NM_001374734.1); c.4417-3858A>G (NM_001144770.2); c.4297-3858A>G (NM_001374730.1, NM_001386100.1, NM_183380.4 and 1 more transcripts); c.3319-3858A>G (NM_015548.5); short protein forms R1898G.
Identifiers: ClinVar variation 844041 (VCV000844041.10), dbSNP rs756952695, ClinGen allele CA3870319.